The following is an entry in ClinVar:

NM_014239.4(EIF2B2):c.586C>T (p.Pro196Ser)

Gene: EIF2B2 (eukaryotic translation initiation factor 2B subunit beta; plus strand). Cytogenetic location: 14q24.3.
Variant type: single nucleotide variant.
Coding change: c.586C>T on transcript NM_014239.4 (MANE Select); coding-DNA position 586, C replaced by T.
Protein change: p.Pro196Ser; replaces proline 196 with serine.
Molecular consequence: missense variant.
Genome position (GRCh38, 1-based): chr14:75,004,889, C>T. VCF-style: chr14-75004889-C-T. GRCh37 (hg19) VCF-style: chr14-75471592-C-T.
Other names: short protein forms P196S.
Identifiers: ClinVar variation 3252687 (VCV003252687.2), dbSNP rs113994011.
Genomic context (GRCh38, chr14:75,004,889, plus strand): 5'-GCCTTCCTCAAAGAGGCTGCCCGAAAGAGGAAATTCCATGTCATTGTAGCAGAGTGTGCT[C>T]CTTTCTGCCAGGTAAGGAGACTGCTGGAGTTGCTACTAAGAAAAATGAAAAATGAAGAAG-3'
Protein context (NP_055054.1, residues 186-206): KFHVIVAECA[Pro196Ser]FCQGHEMAVN

ClinVar aggregate classification (germline): Likely pathogenic (1 of 4 stars; one submission).

Allele frequency attached by ClinVar (database versions not stated): ExAC 0.00001; gnomAD 0.00001; gnomAD exomes 0.00002.
gnomAD v4.1: 26 of 1,610,916 alleles (0.0016%); highest among the groups gnomAD compares: Non-Finnish European, 0.0021%; no homozygotes.

Submission:

GeneDx
Classification: Likely pathogenic. Last evaluated: 2023-12-12. Review status: criteria provided, single submitter. Criteria: GeneDx Variant Classification Process June 2021. Collection method: clinical testing. Allele origin: germline. Affected: yes.
Comment: Not observed at significant frequency in large population cohorts (gnomAD); In silico analysis supports that this missense variant has a deleterious effect on protein structure/function; This variant is associated with the following publications: (PMID: 15776425, 16998732, 29706645, 30266093)